The following is an entry in ClinVar:

ClinVar aggregate classification (germline): Uncertain significance (1 of 4 stars; one submission).

Conditions:
UNC79-related disorder. Also called: UNC79-related condition.

Submission:

3billion
Classification: Uncertain significance for UNC79-related disorder. Last evaluated: 2024-12-10. Review status: criteria provided, single submitter. Criteria: ACMG Guidelines, 2015. Collection method: clinical testing. Allele origin: germline. Affected: yes.
Comment: The variant is not observed in the gnomAD v4.1.0 dataset. Predicted Consequence/Location: Stop-gained (nonsense): predicted to result in a loss or disruption of normal protein function through nonsense-mediated decay (NMD) or protein truncation. Multiple pathogenic variants are reported downstream of the variant. Therefore, this variant is classified as VUS according to the recommendation of ACMG/AMP guideline.

NM_001395159.1(UNC79):c.7414C>T (p.Gln2472Ter)

Gene: UNC79 (unc-79 subunit of NALCN channel complex; plus strand). Cytogenetic location: 14q32.12.
Variant type: single nucleotide variant.
Coding change: c.7414C>T on transcript NM_001395159.1 (MANE Select); coding-DNA position 7414, C replaced by T.
Protein change: p.Gln2472Ter; replaces glutamine 2472 with a stop codon.
Molecular consequence: nonsense.
Genome position (GRCh38, 1-based): chr14:93,688,836, C>T. VCF-style: chr14-93688836-C-T. GRCh37 (hg19) VCF-style: chr14-94155182-C-T.
Other names: c.7348C>T, p.Gln2450Ter (NM_001346218.2); c.6667C>T, p.Gln2223Ter (NM_020818.5); short protein forms Q2223*, Q2450*, Q2472*.
Identifiers: ClinVar variation 4292895 (VCV004292895.1).